The following is an entry in ClinVar:

NM_001203.3(BMPR1B):c.*3489A>G

Gene: BMPR1B (bone morphogenetic protein receptor type 1B; plus strand). Cytogenetic location: 4q22.3.
Variant type: single nucleotide variant.
Coding change: c.*3489A>G on transcript NM_001203.3 (MANE Select); 3489 bases downstream of the stop codon, A replaced by G.
Molecular consequence: 3 prime UTR variant.
Genome position (GRCh38, 1-based): chr4:95,158,162, A>G. VCF-style: chr4-95158162-A-G. GRCh37 (hg19) VCF-style: chr4-96079313-A-G.
Other names: c.*3489A>G (NM_001256792.2, NM_001256793.2, NM_001256794.1).
Identifiers: ClinVar variation 907789 (VCV000907789.4), dbSNP rs142488637, ClinGen allele CA101684333.

ClinVar aggregate classification (germline): Benign (1 of 4 stars; one submission).

Conditions:
Brachydactyly. Also called: Brachydactyly syndrome; Brachydactyly (disease). Identifiers: MedGen C0221357, MONDO:0021004, HP:0001156.

Allele frequency attached by ClinVar (database versions not stated): TOPMed 0.00199; 1000 Genomes Project 0.00140; 1000 Genomes Project 30x 0.00141.

Submission:

Illumina Laboratory Services, Illumina
Classification: Benign for Brachydactyly. Last evaluated: 2018-01-13. Review status: criteria provided, single submitter. Criteria: ICSL Variant Classification Criteria 13 December 2019. Collection method: clinical testing. Allele origin: germline.
Comment: This variant was observed in the ICSL laboratory as part of a predisposition screen in an ostensibly healthy population. It had not been previously curated by ICSL or reported in the Human Gene Mutation Database (HGMD: prior to June 1st, 2018), and was therefore a candidate for classification through an automated scoring system. Utilizing variant allele frequency, disease prevalence and penetrance estimates, and inheritance mode, an automated score was calculated to assess if this variant is too frequent to cause the disease. Based on the score and internal cut-off values, a variant classified as benign is not then subjected to further curation. The score for this variant resulted in a classification of benign for this disease.